The following is an entry in ClinVar:

NM_005068.3(SIM1):c.1132T>C (p.Ser378Pro)

Genes: SIM1 (SIM bHLH transcription factor 1; minus strand), SIM1-AS1 (SIM1 antisense RNA 1; plus strand). Cytogenetic location: 6q16.3.
Variant type: single nucleotide variant.
Coding change: c.1132T>C on transcript NM_005068.3 (MANE Select); coding-DNA position 1132, T replaced by C.
Protein change: p.Ser378Pro; replaces serine 378 with proline.
Molecular consequence: missense variant.
Genome position (GRCh38, 1-based): chr6:100,420,825, A>G on the plus strand (T>C on the coding strand, the complement: SIM1 is on the minus strand). VCF-style: chr6-100420825-A-G. GRCh37 (hg19) VCF-style: chr6-100868701-A-G.
Other names: c.1132T>C, p.Ser378Pro (NM_001374769.1); short protein forms S378P.
Identifiers: ClinVar variation 4987930 (VCV004987930.1).
Genomic context (GRCh38, chr6:100,420,825, plus strand): 5'-AGTTGCAAAACAGCAATGCACTTACCTGAGGGTATGGGGAAGTCCTGGATTTTGACTTTG[A>G]GCTGGAGAGCCGGGATTTGGCCCCCTTTCTGTTGTCAGTCATGGTGGGGGTGGAGCTGCT-3'
Protein context (NP_005059.2, residues 368-388): RKGAKSRLSS[Ser378Pro]KSKSRTSPYP

ClinVar aggregate classification (germline): Uncertain significance (1 of 4 stars; one submission).

Conditions:
SIM1-related disorder. Also called: SIM1-related disorders; SIM1-related condition.

gnomAD v4.1: 1 of 1,614,150 alleles (0.000062%); no homozygotes.

Submission:

PreventionGenetics, part of Exact Sciences
Classification: Uncertain significance for SIM1-related condition. Last evaluated: 2026-02-09. Review status: criteria provided, single submitter. Criteria: ACMG Guidelines, 2015. Collection method: clinical testing. Allele origin: germline.
Comment: The SIM1 c.1132T>C variant is predicted to result in the amino acid substitution p.Ser378Pro. To our knowledge, this variant has not been reported in the literature or in a large population database (gnomAD), indicating this variant is rare. At this time, the clinical significance of this variant is uncertain due to the absence of conclusive functional and genetic evidence.